The following is an entry in ClinVar:

ClinVar aggregate classification (germline): Pathogenic (1 of 4 stars; one submission).

Conditions:
Pheochromocytoma. Also called: MAX-Related Hereditary Paraganglioma-Pheochromocytoma Syndrome. Identifiers: Orphanet 29072, MedGen C0031511, MONDO:0008233, OMIM 171300, HP:0002666.
Gastrointestinal stromal tumor. Also called: Gastrointestinal stromal tumor, somatic; Gastrointestinal stroma tumor. Identifiers: Orphanet 44890, MedGen C0238198, MeSH D046152, MONDO:0011719, OMIM 606764, HP:0100723.
Pheochromocytoma/paraganglioma syndrome 4. Also called: CAROTID BODY TUMORS AND MULTIPLE EXTRAADRENAL PHEOCHROMOCYTOMAS; PARAGANGLIOMA, FAMILIAL MALIGNANT; PARAGANGLIOMAS, HEREDITARY EXTRAADRENAL; PHEOCHROMOCYTOMA, FAMILIAL EXTRAADRENAL; Paragangliomas 4; SDHB-Related Hereditary Paraganglioma-Pheochromocytoma Syndrome (Paragangliomas 4). Identifiers: Orphanet 29072, MedGen C1861848, MONDO:0007273, OMIM 115310.

Submission:

Labcorp Genetics (formerly Invitae), Labcorp
Classification: Pathogenic for Gastrointestinal stromal tumor; Pheochromocytoma/paraganglioma syndrome 4; Pheochromocytoma. Last evaluated: 2023-07-06. Review status: criteria provided, single submitter. Criteria: Invitae Variant Classification Sherloc (09022015). Collection method: clinical testing. Allele origin: germline.
Comment: This sequence change creates a premature translational stop signal (p.Pro49Glnfs*28) in the SDHB gene. It is expected to result in an absent or disrupted protein product. Loss-of-function variants in SDHB are known to be pathogenic (PMID: 19454582, 19802898). This variant is not present in population databases (gnomAD no frequency). This variant has not been reported in the literature in individuals affected with SDHB-related conditions. For these reasons, this variant has been classified as Pathogenic.

Literature cited by the submitters: PubMed 19454582; PubMed 19802898.

NM_003000.3(SDHB):c.146del (p.Pro49fs)

Gene: SDHB (succinate dehydrogenase complex iron sulfur subunit B; minus strand). Cytogenetic location: 1p36.13.
Variant type: Deletion.
Coding change: c.146del on transcript NM_003000.3 (MANE Select); coding-DNA position 146, one base deleted (C; older notation c.146delC).
Protein change: p.Pro49fs; shifts the reading frame from proline 49.
Molecular consequence: frameshift variant.
Genome position (GRCh38, 1-based): chr1:17,044,815, G deleted on the plus strand (C on the coding strand, the reverse complement: SDHB is on the minus strand); the first of 3 consecutive G bases (chr1:17,044,815-17,044,817); deleting any one gives the same sequence. VCF-style (leftmost placement, unchanged base first): chr1-17044814-TG-T. GRCh37 (hg19) VCF-style: chr1-17371309-TG-T.
Other names: c.146del, p.Pro49fs (NM_001407361.1); short protein forms P49fs.
Identifiers: ClinVar variation 2949579 (VCV002949579.3), dbSNP rs2525059708, ClinGen allele CA2740090607.